The following is an entry in ClinVar:

NM_181882.3(PRX):c.2582T>G (p.Leu861Arg)

Gene: PRX (periaxin; minus strand). Cytogenetic location: 19q13.2.
Variant type: single nucleotide variant.
Coding change: c.2582T>G on transcript NM_181882.3 (MANE Select); coding-DNA position 2582, T replaced by G.
Protein change: p.Leu861Arg; replaces leucine 861 with arginine.
Molecular consequence: missense variant. On other transcripts: 3 prime UTR variant (1).
Genome position (GRCh38, 1-based): chr19:40,395,770, A>C on the plus strand (T>G on the coding strand, the complement: PRX is on the minus strand). VCF-style: chr19-40395770-A-C. GRCh37 (hg19) VCF-style: chr19-40901677-A-C.
Other names: c.*2787T>G (NM_020956.2); short protein forms L861R.
Identifiers: ClinVar variation 843780 (VCV000843780.9), dbSNP rs1192034174, ClinGen allele CA405895988.

ClinVar aggregate classification (germline): Uncertain significance (1 of 4 stars; one submission).

Conditions:
Charcot-Marie-Tooth disease type 4. Also called: Charcot-Marie-Tooth, Type 4; Charcot-Marie-Tooth disease, type IV. Identifiers: Orphanet 64749, MedGen C4082197, MONDO:0018995.

Submission:

Labcorp Genetics (formerly Invitae), Labcorp
Classification: Uncertain significance for Charcot-Marie-Tooth disease type 4. Last evaluated: 2019-01-20. Review status: criteria provided, single submitter. Criteria: Invitae Variant Classification Sherloc (09022015). Collection method: clinical testing. Allele origin: germline.
Comment: This variant is not present in population databases (ExAC no frequency). In summary, the available evidence is currently insufficient to determine the role of this variant in disease. Therefore, it has been classified as a Variant of Uncertain Significance. Algorithms developed to predict the effect of missense changes on protein structure and function are either unavailable or do not agree on the potential impact of this missense change (SIFT: "Deleterious"; PolyPhen-2: "Possibly Damaging"; Align-GVGD: "Class C0"). This variant has not been reported in the literature in individuals with PRX-related conditions. This sequence change replaces leucine with arginine at codon 861 of the PRX protein (p.Leu861Arg). The leucine residue is highly conserved and there is a moderate physicochemical difference between leucine and arginine.